The following is an entry in ClinVar:

ClinVar aggregate classification (germline): Uncertain significance (1 of 4 stars; one submission).

Conditions:
Inborn genetic diseases. Identifiers: MedGen C0950123, MeSH D030342.

gnomAD v4.1: 2 of 1,609,632 alleles (0.00012%); highest among the groups gnomAD compares: South Asian, 0.0022%; no homozygotes.

Submission:

Ambry Genetics
Classification: Uncertain significance for Inborn genetic diseases. Last evaluated: 2024-10-29. Review status: criteria provided, single submitter. Criteria: Ambry Variant Classification Scheme 2023. Collection method: clinical testing. Allele origin: germline.
Comment: The p.V2472E variant (also known as c.7415T>A), located in coding exon 50 of the LRRK2 gene, results from a T to A substitution at nucleotide position 7415. The valine at codon 2472 is replaced by glutamic acid, an amino acid with dissimilar properties. This amino acid position is conserved. In addition, the in silico prediction for this alteration is inconclusive. Based on the available evidence, the clinical significance of this variant remains unclear.

NM_198578.4(LRRK2):c.7415T>A (p.Val2472Glu)

Gene: LRRK2 (leucine rich repeat kinase 2; plus strand). Cytogenetic location: 12q12.
Variant type: single nucleotide variant.
Coding change: c.7415T>A on transcript NM_198578.4 (MANE Select); coding-DNA position 7415, T replaced by A.
Protein change: p.Val2472Glu; replaces valine 2472 with glutamic acid.
Molecular consequence: missense variant.
Genome position (GRCh38, 1-based): chr12:40,367,030, T>A. VCF-style: chr12-40367030-T-A. GRCh37 (hg19) VCF-style: chr12-40760832-T-A.
Other names: short protein forms V2472E.
Identifiers: ClinVar variation 3540480 (VCV003540480.1).
Genomic context (GRCh38, chr12:40,367,030, plus strand): 5'-TTTAACAGAAAACTTACATATTTTGTTTTTGTAAAGGAAGCCTTAAAAATGTCATGCTGG[T>A]ATTGGGCTACAACCGGAAAAATACTGAAGGTACACAAAAGCAGAAAGGTAACATTTAGAA-3'
Protein context (NP_940980.4, residues 2462-2482): QLGSLKNVML[Val2472Glu]LGYNRKNTEG